The following is an entry in ClinVar:

ClinVar aggregate classification (germline): Uncertain significance (1 of 4 stars; one submission).

Conditions:
Hereditary pheochromocytoma and paraganglioma. Also called: Hereditary paragangliomas and pheochromocytomas; Hereditary pheochromocytoma-paraganglioma; Hereditary Paraganglioma-Pheochromocytoma Syndromes. Identifiers: Orphanet 29072, MedGen C4274332, MONDO:0017366.

Submission:

Labcorp Genetics (formerly Invitae), Labcorp
Classification: Uncertain significance for Hereditary pheochromocytoma and paraganglioma. Last evaluated: 2018-08-08. Review status: criteria provided, single submitter. Criteria: Invitae Variant Classification Sherloc (09022015). Collection method: clinical testing. Allele origin: germline.
Comment: In summary, the available evidence is currently insufficient to determine the role of this variant in disease. Therefore, it has been classified as a Variant of Uncertain Significance. Algorithms developed to predict the effect of missense changes on protein structure and function are either unavailable or do not agree on the potential impact of this missense change (SIFT: "Deleterious"; PolyPhen-2: "Benign"; Align-GVGD: "Class C15"). This sequence change replaces phenylalanine with isoleucine at codon 131 of the TMEM127 protein (p.Phe131Ile). The phenylalanine residue is highly conserved and there is a small physicochemical difference between phenylalanine and isoleucine. This variant is not present in population databases (ExAC no frequency). This variant has not been reported in the literature in individuals with TMEM127-related disease.

NM_017849.4(TMEM127):c.391T>A (p.Phe131Ile)

Gene: TMEM127 (transmembrane protein 127; minus strand). Cytogenetic location: 2q11.2.
Variant type: single nucleotide variant.
Coding change: c.391T>A on transcript NM_017849.4 (MANE Select); coding-DNA position 391, T replaced by A.
Protein change: p.Phe131Ile; replaces phenylalanine 131 with isoleucine.
Molecular consequence: missense variant.
Genome position (GRCh38, 1-based): chr2:96,254,851, A>T on the plus strand (T>A on the coding strand, the complement: TMEM127 is on the minus strand). VCF-style: chr2-96254851-A-T. GRCh37 (hg19) VCF-style: chr2-96920589-A-T.
Other names: c.391T>A, p.Phe131Ile (NM_001193304.3); short protein forms F131I.
Identifiers: ClinVar variation 647414 (VCV000647414.8), dbSNP rs1573970081, ClinGen allele CA347653286.